The following is an entry in ClinVar:

NM_001009944.3(PKD1):c.8418C>T (p.Phe2806=)

Gene: PKD1 (polycystin 1, transient receptor potential channel interacting; minus strand). Cytogenetic location: 16p13.3.
Variant type: single nucleotide variant.
Coding change: c.8418C>T on transcript NM_001009944.3 (MANE Select); coding-DNA position 8418, C replaced by T.
Protein change: p.Phe2806=; no amino-acid change (phenylalanine 2806 retained).
Molecular consequence: synonymous variant.
Genome position (GRCh38, 1-based): chr16:2,103,639, G>A on the plus strand (C>T on the coding strand, the complement: PKD1 is on the minus strand). VCF-style: chr16-2103639-G-A. GRCh37 (hg19) VCF-style: chr16-2153640-G-A.
Other names: c.8418C>T, p.Phe2806= (NM_000296.4).
Identifiers: ClinVar variation 4985477 (VCV004985477.1).

ClinVar aggregate classification (germline): Likely benign (1 of 4 stars; one submission).

Conditions:
PKD1-related disorder. Also called: PKD1-related condition.

gnomAD v4.1: 9 of 1,610,328 alleles (0.00056%); highest among the groups gnomAD compares: Non-Finnish European, 0.00076%; no homozygotes.

Submission:

PreventionGenetics, part of Exact Sciences
Classification: Likely benign for PKD1-related condition. Last evaluated: 2025-12-23. Review status: criteria provided, single submitter. Criteria: ACMG Guidelines, 2015. Collection method: clinical testing. Allele origin: germline.
Comment: This variant is classified as likely benign based on ACMG/AMP sequence variant interpretation guidelines (Richards et al. 2015 PMID: 25741868, with internal and published modifications).